The following is an entry in ClinVar:

ClinVar aggregate classification (germline): Uncertain significance (1 of 4 stars; one submission).

Conditions:
Idiopathic generalized epilepsy. Also called: EIG; Generalised epilepsy. Identifiers: MedGen C0270850, MONDO:0005579, OMIM 600669.

Submission:

Labcorp Genetics (formerly Invitae), Labcorp
Classification: Uncertain significance for Idiopathic generalized epilepsy. Last evaluated: 2023-07-03. Review status: criteria provided, single submitter. Criteria: Invitae Variant Classification Sherloc (09022015). Collection method: clinical testing. Allele origin: germline.
Comment: This variant is not present in population databases (gnomAD no frequency). In summary, the available evidence is currently insufficient to determine the role of this variant in disease. Therefore, it has been classified as a Variant of Uncertain Significance. An algorithm developed to predict the effect of missense changes on protein structure and function (PolyPhen-2) suggests that this variant is likely to be disruptive. ClinVar contains an entry for this variant (Variation ID: 1041545). This variant has not been reported in the literature in individuals affected with GABRD-related conditions. This sequence change replaces lysine, which is basic and polar, with methionine, which is neutral and non-polar, at codon 344 of the GABRD protein (p.Lys344Met).

NM_000815.5(GABRD):c.1031A>T (p.Lys344Met)

Gene: GABRD (gamma-aminobutyric acid type A receptor subunit delta; plus strand). Cytogenetic location: 1p36.33.
Variant type: single nucleotide variant.
Coding change: c.1031A>T on transcript NM_000815.5 (MANE Select); coding-DNA position 1031, A replaced by T.
Protein change: p.Lys344Met; replaces lysine 344 with methionine.
Molecular consequence: missense variant.
Genome position (GRCh38, 1-based): chr1:2,029,734, A>T. VCF-style: chr1-2029734-A-T. GRCh37 (hg19) VCF-style: chr1-1961173-A-T.
Other names: short protein forms K344M.
Identifiers: ClinVar variation 1041545 (VCV001041545.6), dbSNP rs1659031445, ClinGen allele CA337960297.
Genomic context (GRCh38, chr1:2,029,734, plus strand): 5'-CCCTGGTGGAGTACGCCTTTGCTCATTTCAACGCCGACTACAGGAAGAAGCAGAAGGCCA[A>T]GGTCAAGGTCTCCAGGCCGAGGGCAGAGGTGAGGGCCTGGGGCCGAGCCAGGGACAGCAC-3'
Protein context (NP_000806.2, residues 334-354): NADYRKKQKA[Lys344Met]VKVSRPRAEM